The following is an entry in ClinVar:

NM_001031689.3(PLAA):c.2145_2147del (p.Lys715_Asp716delinsAsn)

Gene: PLAA (phospholipase A2 activating protein; minus strand). Cytogenetic location: 9p21.2.
Variant type: Deletion.
Coding change: c.2145_2147del on transcript NM_001031689.3 (MANE Select); coding-DNA positions 2145 to 2147, 3 bases deleted (AGA; older notation c.2145_2147delAGA).
Protein change: p.Lys715_Asp716delinsAsn.
Molecular consequence: inframe indel.
Genome position (GRCh38, 1-based): chr9:26,905,752-26,905,754, TCT deleted on the plus strand (AGA on the coding strand, the reverse complement: PLAA is on the minus strand); deleting any 3 consecutive bases within chr9:26,905,752-26,905,755 gives the same sequence; the c. name uses the placement nearest the transcript's 3' end. VCF-style (leftmost placement, unchanged base first): chr9-26905751-GTCT-G. GRCh37 (hg19) VCF-style: chr9-26905749-GTCT-G.
Other names: c.2076_2078del, p.Lys692_Asp693delinsAsn (NM_001321546.2).
Identifiers: ClinVar variation 2500440 (VCV002500440.1), dbSNP rs2489156643, ClinGen allele CA2580080298.

ClinVar aggregate classification (germline): Uncertain significance (1 of 4 stars; one submission).

Submission:

GeneDx
Classification: Uncertain significance. Last evaluated: 2022-11-01. Review status: criteria provided, single submitter. Criteria: GeneDx Variant Classification Process June 2021. Collection method: clinical testing. Allele origin: germline. Affected: yes.
Comment: Not observed at significant frequency in large population cohorts (gnomAD); In-frame deletion of 2 amino acids and insertion of 1 amino acid in a non-repeat region; In silico analysis supports a deleterious effect on protein structure/function; Has not been previously published as pathogenic or benign to our knowledge